The following is an entry in ClinVar:

NM_002734.5(PRKAR1A):c.89T>G (p.Leu30Arg)

Gene: PRKAR1A (protein kinase cAMP-dependent type I regulatory subunit alpha; plus strand). Cytogenetic location: 17q24.2.
Variant type: single nucleotide variant.
Coding change: c.89T>G on transcript NM_002734.5 (MANE Select); coding-DNA position 89, T replaced by G.
Protein change: p.Leu30Arg; replaces leucine 30 with arginine.
Molecular consequence: missense variant.
Genome position (GRCh38, 1-based): chr17:68,515,488, T>G. VCF-style: chr17-68515488-T-G. GRCh37 (hg19) VCF-style: chr17-66511629-T-G.
Other names: c.89T>G, p.Leu30Arg (NM_001276289.2, NM_001276290.1, NM_001278433.2 and 4 more transcripts); short protein forms L30R.
Identifiers: ClinVar variation 3425053 (VCV003425053.1).

ClinVar aggregate classification (germline): Uncertain significance (1 of 4 stars; one submission).

Conditions:
Hereditary cancer-predisposing syndrome. Also called: Neoplastic Syndromes, Hereditary; Tumor predisposition; Hereditary Cancer Syndrome; Hereditary neoplastic syndrome. Identifiers: Orphanet 140162, MedGen C0027672, MeSH D009386, MONDO:0015356.

Submission:

Ambry Genetics
Classification: Uncertain significance for Hereditary cancer-predisposing syndrome. Last evaluated: 2024-08-26. Review status: criteria provided, single submitter. Criteria: Ambry Variant Classification Scheme 2023. Collection method: clinical testing. Allele origin: germline.
Comment: The p.L30R variant (also known as c.89T>G), located in coding exon 1 of the PRKAR1A gene, results from a T to G substitution at nucleotide position 89. The leucine at codon 30 is replaced by arginine, an amino acid with dissimilar properties. This amino acid position is conserved. In addition, the in silico prediction for this alteration is inconclusive. Based on the available evidence, the clinical significance of this variant remains unclear.